The following is an entry in ClinVar:

NM_007294.4(BRCA1):c.745A>G (p.Thr249Ala)

Gene: BRCA1 (BRCA1 DNA repair associated; minus strand). Cytogenetic location: 17q21.31.
Variant type: single nucleotide variant.
Coding change: c.745A>G on transcript NM_007294.4 (MANE Select); coding-DNA position 745, A replaced by G.
Protein change: p.Thr249Ala; replaces threonine 249 with alanine.
Molecular consequence: missense variant. On other transcripts: non-coding transcript variant (1).
Genome position (GRCh38, 1-based): chr17:43,094,786, T>C on the plus strand (A>G on the coding strand, the complement: BRCA1 is on the minus strand). VCF-style: chr17-43094786-T-C. GRCh37 (hg19) VCF-style: chr17-41246803-T-C.
Other names: c.535A>G, p.Thr179Ala (NM_001408492.1, NM_001408513.1, NM_001408514.1 and 25 more transcripts); c.532A>G, p.Thr178Ala (NM_001408493.1, NM_001407571.1, NM_001407853.1 and 12 more transcripts); c.481A>G, p.Thr161Ala (NM_001408496.1, NM_001408497.1, NM_001408498.1 and 15 more transcripts); c.412A>G, p.Thr138Ala (NM_001408502.1, NM_001407946.1, NM_001407947.1 and 7 more transcripts); c.478A>G, p.Thr160Ala (NM_001408503.1, NM_001408504.1, NM_001408505.1 and 5 more transcripts); c.409A>G, p.Thr137Ala (NM_001408508.1, NM_001408509.1, NM_001407954.1 and 3 more transcripts); c.364A>G, p.Thr122Ala (NM_001408510.1, NM_001407959.1, NM_001407960.1 and 1 more transcripts); c.241A>G, p.Thr81Ala (NM_001408512.1, NM_001407965.1); and 14 more; short protein forms T121A, T137A, T161A, T178A, T182A, T81A, T122A, T201A.
Identifiers: ClinVar variation 2130960 (VCV002130960.6), dbSNP rs397507256, ClinGen allele CA10600594.

ClinVar aggregate classification (germline): Conflicting classifications of pathogenicity. Review status: criteria provided, conflicting classifications (1 of 4 stars). 2 submissions from 2 submitters: Uncertain significance (1); Likely benign (1). Last evaluated 2023-03-23.

Conditions:
Hereditary cancer-predisposing syndrome. Also called: Hereditary neoplastic syndrome; Hereditary Cancer Syndrome; Tumor predisposition; Neoplastic Syndromes, Hereditary. Identifiers: Orphanet 140162, MedGen C0027672, MeSH D009386, MONDO:0015356.
Hereditary breast ovarian cancer syndrome. Also called: Hereditary breast and ovarian cancer; Hereditary breast and/or ovarian cancer syndrome; Hereditary breast and ovarian cancer syndrome (HBOC); Breast and ovarian cancer; Hereditary breast and ovarian cancer syndrome; BRCA1- and BRCA2-Associated Hereditary Breast and Ovarian Cancer. Identifiers: Orphanet 145, MedGen C0677776, MeSH D061325, MONDO:0003582. Disease mechanism: loss of function.

Submissions (2):

University of Washington Department of Laboratory Medicine, University of Washington
Classification: Likely benign for Hereditary cancer-predisposing syndrome. Last evaluated: 2023-03-23. Review status: criteria provided, single submitter. Criteria: Dines et al. (Genet Med. 2020). Collection method: curation. Allele origin: germline.
Comment: Missense variant in a coldspot region where missense variants are very unlikely to be pathogenic (PMID:31911673).

BRCA1 coldspot (exon 11 using historical exon numbering). Reclassification based on statistical prior probability

Labcorp Genetics (formerly Invitae), Labcorp
Classification: Uncertain significance for Hereditary breast ovarian cancer syndrome. Last evaluated: 2022-04-27. Review status: criteria provided, single submitter. Criteria: Invitae Variant Classification Sherloc (09022015). Collection method: clinical testing. Allele origin: germline.
Comment: In summary, the available evidence is currently insufficient to determine the role of this variant in disease. Therefore, it has been classified as a Variant of Uncertain Significance. Advanced modeling of protein sequence and biophysical properties (such as structural, functional, and spatial information, amino acid conservation, physicochemical variation, residue mobility, and thermodynamic stability) performed at Invitae indicates that this missense variant is not expected to disrupt BRCA1 protein function. This variant has not been reported in the literature in individuals affected with BRCA1-related conditions. This variant is not present in population databases (gnomAD no frequency). This sequence change replaces threonine, which is neutral and polar, with alanine, which is neutral and non-polar, at codon 249 of the BRCA1 protein (p.Thr249Ala).